The following is an entry in ClinVar:

NM_000214.3(JAG1):c.869G>T (p.Gly290Val)

Gene: JAG1 (jagged canonical Notch ligand 1; minus strand). Cytogenetic location: 20p12.2.
Variant type: single nucleotide variant.
Coding change: c.869G>T on transcript NM_000214.3 (MANE Select); coding-DNA position 869, G replaced by T.
Protein change: p.Gly290Val; replaces glycine 290 with valine.
Molecular consequence: missense variant.
Genome position (GRCh38, 1-based): chr20:10,652,485, C>A on the plus strand (G>T on the coding strand, the complement: JAG1 is on the minus strand). VCF-style: chr20-10652485-C-A. GRCh37 (hg19) VCF-style: chr20-10633133-C-A.
Other names: short protein forms G290V.
Identifiers: ClinVar variation 3573388 (VCV003573388.2).

Conditions:
Arteriohepatic dysplasia. Also called: Alagille Syndrome. Identifiers: Orphanet 52, MedGen C0085280, MeSH D016738, MONDO:0007318.

Submission:

Gilbert/Spinner Lab, Children's Hospital of Philadelphia
No classification provided (evidence only). Condition: Alagille syndrome. Review status: no classification provided. Collection method: research. Allele origin: not applicable. Functional consequence: functionally_abnormal.
ClinVar note: "not provided" was previously submitted as the classification for the variant. However, the classification appeared to be based only on an observation of functional data so it was converted to no classification on 2025-07-30.